The following is an entry in ClinVar:

NM_002843.4(PTPRJ):c.282T>C (p.Asp94=)

Gene: PTPRJ (protein tyrosine phosphatase receptor type J; plus strand). Cytogenetic location: 11p11.2.
Variant type: single nucleotide variant.
Coding change: c.282T>C on transcript NM_002843.4 (MANE Select); coding-DNA position 282, T replaced by C.
Protein change: p.Asp94=; no amino-acid change (aspartic acid 94 retained).
Molecular consequence: synonymous variant.
Genome position (GRCh38, 1-based): chr11:48,112,913, T>C. VCF-style: chr11-48112913-T-C. GRCh37 (hg19) VCF-style: chr11-48134465-T-C.
Other names: c.282T>C, p.Asp94= (NM_001098503.2).
Identifiers: ClinVar variation 2641771 (VCV002641771.24), dbSNP rs142849806, ClinGen allele CA5981895.

ClinVar aggregate classification (germline): Likely benign (1 of 4 stars; one submission).

Allele frequency attached by ClinVar (database versions not stated): 1000 Genomes Project 0.00060; 1000 Genomes Project 30x 0.00062; ESP Exome Variant Server 0.00077; gnomAD 0.00093; TOPMed 0.00099; ExAC 0.00137; gnomAD exomes 0.00182.
gnomAD v4.1: 2,773 of 1,614,152 alleles (0.17%); highest among the groups gnomAD compares: Non-Finnish European, 0.21%; 8 homozygotes.

Submission:

CeGaT Center for Human Genetics Tuebingen
Classification: Likely benign. Last evaluated: 2022-08-01. Review status: criteria provided, single submitter. Criteria: CeGaT Center For Human Genetics Tuebingen Variant Classification Criteria Version 2. Collection method: clinical testing. Allele origin: germline. Affected: yes. Observed: 1 variant allele.
Comment: PTPRJ: BP4, BP7